The following is an entry in ClinVar:

ClinVar aggregate classification (germline): Uncertain significance. Review status: criteria provided, multiple submitters, no conflicts (2 of 4 stars). 3 submissions from 3 submitters: Uncertain significance (3). Last evaluated 2025-09-25.

Conditions:
Inborn genetic diseases. Identifiers: MedGen C0950123, MeSH D030342.

Allele frequency attached by ClinVar (database versions not stated): gnomAD 0.00001; gnomAD exomes 0.00001; ExAC 0.00002; TOPMed 0.00005; ESP Exome Variant Server 0.00016.
gnomAD v4.1: 24 of 1,612,674 alleles (0.0015%); highest among the groups gnomAD compares: East Asian, 0.0022%; no homozygotes.

Submissions (3):

Ambry Genetics
Classification: Uncertain significance for Inborn genetic diseases. Last evaluated: 2025-09-25. Review status: criteria provided, single submitter. Criteria: Ambry Variant Classification Scheme 2023. Collection method: clinical testing. Allele origin: germline.

Labcorp Genetics (formerly Invitae), Labcorp
Classification: Uncertain significance. Last evaluated: 2022-03-20. Review status: criteria provided, single submitter. Criteria: Invitae Variant Classification Sherloc (09022015). Collection method: clinical testing. Allele origin: germline.
Comment: This sequence change replaces glycine, which is neutral and non-polar, with serine, which is neutral and polar, at codon 2947 of the CDH23 protein (p.Gly2947Ser). This variant is present in population databases (rs373806912, gnomAD 0.04%). This variant has not been reported in the literature in individuals affected with CDH23-related conditions. Algorithms developed to predict the effect of missense changes on protein structure and function are either unavailable or do not agree on the potential impact of this missense change (SIFT: "Deleterious"; PolyPhen-2: "Not Available"; Align-GVGD: "Class C0"). In summary, the available evidence is currently insufficient to determine the role of this variant in disease. Therefore, it has been classified as a Variant of Uncertain Significance.

Blueprint Genetics
Classification: Uncertain significance. Last evaluated: 2018-08-28. Review status: criteria provided, single submitter. Criteria: ACMG Guidelines, 2015. Collection method: clinical testing. Allele origin: germline.

NM_022124.6(CDH23):c.8839G>A (p.Gly2947Ser)

Gene: CDH23 (cadherin related 23; plus strand). Cytogenetic location: 10q22.1.
Variant type: single nucleotide variant.
Coding change: c.8839G>A on transcript NM_022124.6 (MANE Select); coding-DNA position 8839, G replaced by A.
Protein change: p.Gly2947Ser; replaces glycine 2947 with serine.
Molecular consequence: missense variant.
Genome position (GRCh38, 1-based): chr10:71,809,936, G>A. VCF-style: chr10-71809936-G-A. GRCh37 (hg19) VCF-style: chr10-73569693-G-A.
Other names: c.2119G>A, p.Gly707Ser (NM_001171933.1, NM_001171934.1); c.8839G>A (NM_022124.5); short protein forms G2947S, G707S.
Identifiers: ClinVar variation 2141820 (VCV002141820.3), dbSNP rs373806912, ClinGen allele CA5546766.